The following is an entry in ClinVar:

ClinVar aggregate classification (germline): Pathogenic (1 of 4 stars; one submission).

Conditions:
Tyrosinase-positive oculocutaneous albinism (OCA2). Also called: ALBINISM II; Oculocutaneous albinism type 2; Albinism, oculocutaneous, type II. Identifiers: Orphanet 79432, MedGen C0268495, MONDO:0008746, OMIM 203200.

Submission:

Myriad Genetics, Inc.
Classification: Pathogenic for Tyrosinase-positive oculocutaneous albinism. Last evaluated: 2024-09-11. Review status: criteria provided, single submitter. Criteria: Myriad Autosomal Dominant, Autosomal Recessive and X-Linked Classification Criteria (2023). Collection method: clinical testing. Allele origin: unknown.
Comment: NM_000275.2(OCA2):c.2119C>T(Q707*) is expected to be pathogenic in the context of oculocutaneous albinism, OCA2-related. This variant is predicted to lead to an abnormal or absent protein product due to the creation of a premature termination codon in OCA2, a gene where loss-of-function variants are known to be pathogenic. Please note: this variant was assessed in the context of healthy population screening.

NM_000275.3(OCA2):c.2119C>T (p.Gln707Ter)

Gene: OCA2 (OCA2 melanosomal transmembrane protein; minus strand). Cytogenetic location: 15q13.1.
Variant type: single nucleotide variant.
Coding change: c.2119C>T on transcript NM_000275.3 (MANE Select); coding-DNA position 2119, C replaced by T.
Protein change: p.Gln707Ter; replaces glutamine 707 with a stop codon.
Molecular consequence: nonsense.
Genome position (GRCh38, 1-based): chr15:27,871,883, G>A on the plus strand (C>T on the coding strand, the complement: OCA2 is on the minus strand). VCF-style: chr15-27871883-G-A. GRCh37 (hg19) VCF-style: chr15-28117029-G-A.
Other names: c.2047C>T, p.Gln683Ter (NM_001300984.2); short protein forms Q683*, Q707*.
Identifiers: ClinVar variation 5013544 (VCV005013544.1).
Genomic context (GRCh38, chr15:27,871,883, plus strand): 5'-ACAGTGGCTGGAGTGCCTTCTATTATAGCATTTATTTTACCTTTATTAGCAAAGCAGTTT[G>A]TTCTCCAACATATTCTATTAAGTGGAGATGTGCCAATGCCTAGAAGAAAGGATGTGTGGT-3'